The following is an entry in ClinVar:

ClinVar aggregate classification (germline): Pathogenic/Likely pathogenic. Review status: criteria provided, multiple submitters, no conflicts (2 of 4 stars). 5 submissions from 5 submitters: Pathogenic (2); Likely pathogenic (2). 1 of the submissions does not count toward it. Last evaluated 2023-09-07.
ClinVar aggregate classification (oncogenicity): Likely oncogenic (1 of 4 stars; one submission).

Conditions:
PIK3CA related overgrowth syndrome. Also called: PIK3CA-Related Segmental Overgrowth; PIK3CA related overgrowth spectrum. Identifiers: Orphanet 530313, MedGen C4728213, MONDO:1040002.
CLOVES syndrome. Also called: Congenital lipomatous overgrowth, vascular malformations, and epidermal nevi; CONGENITAL LIPOMATOUS OVERGROWTH, VASCULAR MALFORMATIONS, AND EPIDERMAL NEVI, SOMATIC; CLOVES; Congenital Lipomatous Overgrowth, Vascular Malformations, Epidermal Nevi, Scoliosis/Skeletal and Spinal (CLOVES) Syndrome; CLOVE SYNDROME; CONGENITAL LIPOMATOUS OVERGROWTH, VASCULAR MALFORMATIONS, EPIDERMAL NEVI, AND SKELETAL/SPINAL ABNORMALITIES. Identifiers: Orphanet 140944, MedGen C2752042, MONDO:0013038, OMIM 612918. Disease mechanism: gain of function.
Non-small cell lung carcinoma (NSCLC). Also called: Non-small cell lung cancer. Identifiers: MedGen C0007131, MeSH D002289, MONDO:0005233, HP:0030358. Disease mechanism: Other.
Neoplasm. Also called: tumor; Neoplasms; Neoplasm (disease). Identifiers: MedGen C0027651, MeSH D009369, MONDO:0005070, HP:0002664.

Submissions (6):

Center for Genomic Medicine, Rigshospitalet, Copenhagen University Hospital
Classification: Likely oncogenic for Neoplasm. Last evaluated: 2026-10-16. Review status: criteria provided, single submitter. Criteria: ClinGen/CGC/VICC Guidelines for Oncogenicity, 2022. Collection method: clinical testing. Allele origin: somatic. Affected: yes.

Clinical Genomics Laboratory, Washington University in St. Louis
Classification: Likely pathogenic for PIK3CA-related overgrowth syndrome. Last evaluated: 2023-09-07. Review status: criteria provided, single submitter. Criteria: ACMG Guidelines, 2015. Collection method: clinical testing. Allele origin: somatic. Affected: yes.
Comment: The PIK3CA c.3073A>G (p.Thr1025Ala) was identified at an allelic fraction consistent with somatic origin. This variant has been reported in multiple individuals with capillary malformations (Rivi√®re JB et al., PMID: 22729224; Mirzaa GM et al., PMID: 23592320; Mirzaa G et al., PMID: 27631024). This variant has been reported in the ClinVar database as a somatic pathogenic variant by multiple submitters and a germline likely pathogenic variant by one submitter (ClinVar ID: 45467). Additionally, it has been reported as a somatic variant in multiple cases in the cancer database cBioPortal. This variant is absent from the general population (gnomAD v3.1.2), indicating it is not a common variant. Another variant in the same codon, c.3074C>G (p.Thr1025Ser), has been reported in multiple cancer cases (Dhami J et al., PMID: 29588307; Gymnopoulos M et al., PMID: 17376864; ClinVar ID: 495324). The PIK3CA c.3073A>G (p.Thr1025Ala) variant resides within a catalytic domain, PI3Kc_IA_alpha, amino acids 695-1064, of PIK3CA that is defined as a critical functional domain (Zhao L et al., PMID: 18268322; Samuels Y et al., PMID: 15016963; Lai et al., PMID: 35997716). However, functional studies that correlate with the impact of this variant on PIK3CA function is lacking. The PIK3CA gene is defined by ClinGen's Brain Malformation expert panel as a gene with a low rate of benign missense variation and where pathogenic missense variants are a common disease mechanism (Lai et al, PMID: 35997716). A large number of PI3K/AKT pathway inhibitors are currently under clinical study in both PROS disorders and cancer (Jin N et al., PMID: 34779417; Venot Q et al., PMID: 29899452; Parker VER et al., PMID: 30270358). Based on an internally-developed protocol informed by the ACMG/AMP guidelines (Richards S et al., PMID: 25741868) and gene-specific practices from the ClinGen Criteria Specification Registry, the PIK3CA c.3073A>G (p.Thr1025Ala) variant is classified as likely pathogenic.

GeneDx
Classification: Likely pathogenic. Last evaluated: 2022-09-22. Review status: criteria provided, single submitter. Criteria: GeneDx Variant Classification Process June 2021. Collection method: clinical testing. Allele origin: germline. Affected: yes.
Comment: Not observed at significant frequency in large population cohorts (gnomAD); In silico analysis supports that this missense variant has a deleterious effect on protein structure/function; This variant is associated with the following publications: (PMID: 23592320, 26453385, 16764926, 22997091, 19903786, 23982433, 34519764, 34858176, 35127508, 31217897, 22729224)

Seattle Children's Hospital Molecular Genetics Laboratory, Seattle Children's Hospital
Classification: Pathogenic. Last evaluated: 2022-03-03. Review status: criteria provided, single submitter. Criteria: ACMG Guidelines, 2015. Collection method: clinical testing. Allele origin: somatic. Affected: yes.
Comment: This variant has been reported in multiple cancer types and once in the literature in an individual with megalencephaly-capillary malformation (PMID: 22729224, PMID: 23982433). The p.Thr1025Ala variant substitute a threonine with an alanine in the kinase domain of the PIK3CA protein. Variants in this domain are typically activating (PMID: 18268322). This variant has also been observed in patient databases among individuals with cancer or PROS disorder, consisting of congenital lipomatous overgrowth, vascular malformations, and epidermal nevi.

Laboratory for Molecular Medicine, Mass General Brigham Personalized Medicine
Classification: Pathogenic for Non-Small Cell Lung Cancer. Last evaluated: 2011-08-10. Review status: criteria provided, single submitter. Criteria: LMM Criteria. Collection method: clinical testing. Allele origin: somatic. Observed: 1 variant allele.
Comment: The Thr1025Ala variant has been reported in the literature as a somatic change in several different tumor types (endometrium, thyroid, large intestine, pituitary, lung carcinoma; COSMIC). Somatic PIK3CA variants have been identified in up to 4% of cases of lung cancer (Samuels 2004).

Medical Genetics Laboratory, Aldo Moro University of Bari
Classification: Pathogenic for CLOVES syndrome. Last evaluated: 2021-06-06. Review status: no assertion criteria provided. Collection method: clinical testing. Allele origin: somatic. Affected: yes. Not counted in ClinVar's aggregate classification.

NM_006218.4(PIK3CA):c.3073A>G (p.Thr1025Ala)

Gene: PIK3CA (phosphatidylinositol-4,5-bisphosphate 3-kinase catalytic subunit alpha; plus strand). Cytogenetic location: 3q26.32.
Variant type: single nucleotide variant.
Coding change: c.3073A>G on transcript NM_006218.4 (MANE Select); coding-DNA position 3073, A replaced by G.
Protein change: p.Thr1025Ala; replaces threonine 1025 with alanine.
Molecular consequence: missense variant.
Genome position (GRCh38, 1-based): chr3:179,234,230, A>G. VCF-style: chr3-179234230-A-G. GRCh37 (hg19) VCF-style: chr3-178952018-A-G.
Other names: short protein forms T1025A.
Identifiers: ClinVar variation 45467 (VCV000045467.10), dbSNP rs397517202, ClinGen allele CA136374.